The following is an entry in ClinVar:

NM_030948.6(PHACTR1):c.217G>A (p.Ala73Thr)

Gene: PHACTR1 (phosphatase and actin regulator 1; plus strand). Cytogenetic location: 6p24.1.
Variant type: single nucleotide variant.
Coding change: c.217G>A on transcript NM_030948.6 (MANE Select); coding-DNA position 217, G replaced by A.
Protein change: p.Ala73Thr; replaces alanine 73 with threonine.
Molecular consequence: missense variant.
Genome position (GRCh38, 1-based): chr6:12,749,757, G>A. VCF-style: chr6-12749757-G-A. GRCh37 (hg19) VCF-style: chr6-12749989-G-A.
Other names: c.217G>A, p.Ala73Thr (NM_001242648.4, NM_001322308.3, NM_001322309.3 and 4 more transcripts); short protein forms A73T.
Identifiers: ClinVar variation 4976530 (VCV004976530.1).

ClinVar aggregate classification (germline): Uncertain significance (1 of 4 stars; one submission).

gnomAD v4.1: 2 of 1,610,812 alleles (0.00012%); highest among the groups gnomAD compares: Non-Finnish European, 0.00017%; no homozygotes.

Submission:

GeneDx
Classification: Uncertain significance. Last evaluated: 2026-02-10. Review status: criteria provided, single submitter. Criteria: GeneDx Variant Classification Process June 2021. Collection method: clinical testing. Allele origin: germline.
Comment: Not observed at significant frequency in large population cohorts (gnomAD); In silico analysis supports that this missense variant has a deleterious effect on protein structure/function; Has not been previously published as pathogenic or benign to our knowledge